The following is an entry in ClinVar:

ClinVar aggregate classification (germline): Uncertain significance (1 of 4 stars; one submission).

Submission:

Labcorp Genetics (formerly Invitae), Labcorp
Classification: Uncertain significance. Last evaluated: 2025-12-16. Review status: criteria provided, single submitter. Criteria: Invitae Variant Classification Sherloc (09022015). Collection method: clinical testing. Allele origin: germline.
Comment: This sequence change falls in intron 3 of the PSENEN gene. It does not directly change the encoded amino acid sequence of the PSENEN protein. It affects a nucleotide within the consensus splice site. This variant is not present in population databases (gnomAD no frequency). This variant has not been reported in the literature in individuals affected with PSENEN-related conditions. Variants that disrupt the consensus splice site are a relatively common cause of aberrant splicing (PMID: 17576681, 9536098). Algorithms developed to predict the effect of sequence changes on RNA splicing suggest that this variant may disrupt the consensus splice site. In summary, the available evidence is currently insufficient to determine the role of this variant in disease. Therefore, it has been classified as a Variant of Uncertain Significance.

Literature cited by the submitters: PubMed 17576681; PubMed 9536098.

NM_172341.4(PSENEN):c.166+6T>A

Gene: PSENEN (presenilin enhancer, gamma-secretase subunit; plus strand). Cytogenetic location: 19q13.12.
Variant type: single nucleotide variant.
Coding change: c.166+6T>A on transcript NM_172341.4 (MANE Select); 6 bases into the intron after coding-DNA position 166, T replaced by A.
Molecular consequence: intron variant.
Genome position (GRCh38, 1-based): chr19:35,746,529, T>A. VCF-style: chr19-35746529-T-A. GRCh37 (hg19) VCF-style: chr19-36237430-T-A.
Other names: c.166+6T>A (NM_001281532.3).
Identifiers: ClinVar variation 4776863 (VCV004776863.1).
Genomic context (GRCh38, chr19:35,746,529, plus strand): 5'-TTCCGAGAGGCCTTCCTTGTCCCAGCCTACACAGAACAGAGCCAAATCAAAGGCTGTGAG[T>A]CTAGAGCACAGAGGAGGGAGGCCAGTGGCAGGGGAGAGGGGGAAGCGGGGAATCTTGGTG-3'